The following is an entry in ClinVar:

NM_015512.5(DNAH1):c.9320T>C (p.Leu3107Pro)

Gene: DNAH1 (dynein axonemal heavy chain 1; plus strand). Cytogenetic location: 3p21.1.
Variant type: single nucleotide variant.
Coding change: c.9320T>C on transcript NM_015512.5 (MANE Select); coding-DNA position 9320, T replaced by C.
Protein change: p.Leu3107Pro; replaces leucine 3107 with proline.
Molecular consequence: missense variant.
Genome position (GRCh38, 1-based): chr3:52,388,566, T>C. VCF-style: chr3-52388566-T-C. GRCh37 (hg19) VCF-style: chr3-52422582-T-C.
Other names: short protein forms L3107P.
Identifiers: ClinVar variation 961877 (VCV000961877.7), dbSNP rs1366406019, ClinGen allele CA353195186.

ClinVar aggregate classification (germline): Uncertain significance (1 of 4 stars; one submission).

Conditions:
Spermatogenic failure 18. Identifiers: MedGen C4539783, MONDO:0054615, OMIM 617576.
Ciliary dyskinesia, primary, 37 (CILD37). Also called: CILIARY DYSKINESIA, PRIMARY, 37, WITH OR WITHOUT SITUS INVERSUS. Identifiers: MedGen C4539798, MONDO:0033204, OMIM 617577.

Allele frequency attached by ClinVar (database versions not stated): gnomAD exomes below 0.00001; TOPMed below 0.00001; gnomAD 0.00001.
gnomAD v4.1: 1 of 1,612,920 alleles (0.000062%); highest among the groups gnomAD compares: African/African-American, 0.0013%; no homozygotes.

Submission:

Labcorp Genetics (formerly Invitae), Labcorp
Classification: Uncertain significance for Ciliary dyskinesia, primary, 37; Spermatogenic failure 18. Last evaluated: 2022-09-06. Review status: criteria provided, single submitter. Criteria: Invitae Variant Classification Sherloc (09022015). Collection method: clinical testing. Allele origin: germline.
Comment: In summary, the available evidence is currently insufficient to determine the role of this variant in disease. Therefore, it has been classified as a Variant of Uncertain Significance. Algorithms developed to predict the effect of missense changes on protein structure and function are either unavailable or do not agree on the potential impact of this missense change (SIFT: "Deleterious"; PolyPhen-2: "Benign"; Align-GVGD: "Class C0"). This sequence change replaces leucine, which is neutral and non-polar, with proline, which is neutral and non-polar, at codon 3107 of the DNAH1 protein (p.Leu3107Pro). This variant is present in population databases (no rsID available, gnomAD 0.01%). This variant has not been reported in the literature in individuals affected with DNAH1-related conditions. ClinVar contains an entry for this variant (Variation ID: 961877).